The following is an entry in ClinVar:

ClinVar aggregate classification (germline): Uncertain significance (1 of 4 stars; one submission).

Conditions:
Inborn genetic diseases. Identifiers: MedGen C0950123, MeSH D030342.

Submission:

Ambry Genetics
Classification: Uncertain significance for Inborn genetic diseases. Last evaluated: 2025-10-27. Review status: criteria provided, single submitter. Criteria: Ambry Variant Classification Scheme 2023. Collection method: clinical testing. Allele origin: germline.
Comment: The c.3731A>G (p.H1244R) alteration is located in exon 18 (coding exon 18) of the CHD8 gene. This alteration results from a A to G substitution at nucleotide position 3731, causing the histidine (H) at amino acid position 1244 to be replaced by an arginine (R). This variant was not reported in population-based cohorts in the Genome Aggregation Database (gnomAD). This amino acid position is highly conserved in available vertebrate species. This missense alteration is located in a region that has a low rate of benign missense variation (Lek, 2016; Firth, 2009). This alteration is predicted to be deleterious by in silico analysis. Based on insufficient or conflicting evidence, the clinical significance of this alteration remains unclear.

NM_001170629.2(CHD8):c.3731A>G (p.His1244Arg)

Gene: CHD8 (chromodomain helicase DNA binding protein 8; minus strand). Cytogenetic location: 14q11.2.
Variant type: single nucleotide variant.
Coding change: c.3731A>G on transcript NM_001170629.2 (MANE Select); coding-DNA position 3731, A replaced by G.
Protein change: p.His1244Arg; replaces histidine 1244 with arginine.
Molecular consequence: missense variant.
Genome position (GRCh38, 1-based): chr14:21,402,487, T>C on the plus strand (A>G on the coding strand, the complement: CHD8 is on the minus strand). VCF-style: chr14-21402487-T-C. GRCh37 (hg19) VCF-style: chr14-21870646-T-C.
Other names: c.2894A>G, p.His965Arg (NM_020920.4); short protein forms H965R, H1244R.
Identifiers: ClinVar variation 4614903 (VCV004614903.1).